The following is an entry in ClinVar:

NM_004369.4(COL6A3):c.3109T>C (p.Ser1037Pro)

Gene: COL6A3 (collagen type VI alpha 3 chain; minus strand). Cytogenetic location: 2q37.3.
Variant type: single nucleotide variant.
Coding change: c.3109T>C on transcript NM_004369.4 (MANE Select); coding-DNA position 3109, T replaced by C.
Protein change: p.Ser1037Pro; replaces serine 1037 with proline.
Molecular consequence: missense variant.
Genome position (GRCh38, 1-based): chr2:237,374,982, A>G on the plus strand (T>C on the coding strand, the complement: COL6A3 is on the minus strand). VCF-style: chr2-237374982-A-G. GRCh37 (hg19) VCF-style: chr2-238283625-A-G.
Other names: c.1888T>C, p.Ser630Pro (NM_057164.5); c.2491T>C, p.Ser831Pro (NM_057165.5, NM_057167.4); c.1288T>C, p.Ser430Pro (NM_057166.5); short protein forms S1037P, S831P, S430P, S630P.
Identifiers: ClinVar variation 2959878 (VCV002959878.3), dbSNP rs2469907167, ClinGen allele CA351205842.

ClinVar aggregate classification (germline): Uncertain significance (1 of 4 stars; one submission).

Conditions:
Bethlem myopathy 1A. Also called: MYOPATHY, BENIGN CONGENITAL, WITH CONTRACTURES; Bethlem myopathy 1; Bethlem Muscular Dystrophy. Identifiers: Orphanet 610, MedGen CN029274, MONDO:0024530, OMIM 158810.

Submission:

Labcorp Genetics (formerly Invitae), Labcorp
Classification: Uncertain significance for Bethlem myopathy 1A. Last evaluated: 2022-10-27. Review status: criteria provided, single submitter. Criteria: Invitae Variant Classification Sherloc (09022015). Collection method: clinical testing. Allele origin: germline.
Comment: In summary, the available evidence is currently insufficient to determine the role of this variant in disease. Therefore, it has been classified as a Variant of Uncertain Significance. Advanced modeling of protein sequence and biophysical properties (such as structural, functional, and spatial information, amino acid conservation, physicochemical variation, residue mobility, and thermodynamic stability) performed at Invitae indicates that this missense variant is expected to disrupt COL6A3 protein function. This variant has not been reported in the literature in individuals affected with COL6A3-related conditions. This variant is not present in population databases (gnomAD no frequency). This sequence change replaces serine, which is neutral and polar, with proline, which is neutral and non-polar, at codon 1037 of the COL6A3 protein (p.Ser1037Pro).